The following is an entry in ClinVar:

ClinVar aggregate classification (germline): Uncertain significance. Review status: criteria provided, multiple submitters, no conflicts (2 of 4 stars). 2 submissions from 2 submitters: Uncertain significance (2). Last evaluated 2026-01-13.

Conditions:
Hereditary cancer-predisposing syndrome. Also called: Neoplastic Syndromes, Hereditary; Hereditary Cancer Syndrome; Hereditary neoplastic syndrome; Tumor predisposition. Identifiers: Orphanet 140162, MedGen C0027672, MeSH D009386, MONDO:0015356.

Allele frequency attached by ClinVar (database versions not stated): gnomAD exomes below 0.00001; ExAC 0.00001.
gnomAD v4.1: 1 of 1,614,104 alleles (0.000062%); highest among the groups gnomAD compares: Non-Finnish European, 0.000085%; no homozygotes.

Submissions (2):

Labcorp Genetics (formerly Invitae), Labcorp
Classification: Uncertain significance. Last evaluated: 2026-01-13. Review status: criteria provided, single submitter. Criteria: Invitae Variant Classification Sherloc (09022015). Collection method: clinical testing. Allele origin: germline.
Comment: This sequence change replaces serine, which is neutral and polar, with arginine, which is basic and polar, at codon 2237 of the POLE protein (p.Ser2237Arg). This variant is present in population databases (rs774472240, gnomAD 0.0009%). This variant has not been reported in the literature in individuals affected with POLE-related conditions. ClinVar contains an entry for this variant (Variation ID: 1060533). Invitae Evidence Modeling of protein sequence and biophysical properties (such as structural, functional, and spatial information, amino acid conservation, physicochemical variation, residue mobility, and thermodynamic stability) indicates that this missense variant is not expected to disrupt POLE protein function with a negative predictive value of 80%. Algorithms developed to predict the effect of sequence changes on RNA splicing suggest that this variant may create or strengthen a splice site. In summary, the available evidence is currently insufficient to determine the role of this variant in disease. Therefore, it has been classified as a Variant of Uncertain Significance.

Ambry Genetics
Classification: Uncertain significance for Hereditary cancer-predisposing syndrome. Last evaluated: 2025-04-10. Review status: criteria provided, single submitter. Criteria: Ambry Variant Classification Scheme 2023. Collection method: clinical testing. Allele origin: germline.
Comment: The p.S2237R variant (also known as c.6711C>G), located in coding exon 48 of the POLE gene, results from a C to G substitution at nucleotide position 6711. The serine at codon 2237 is replaced by arginine, an amino acid with dissimilar properties. This amino acid position is poorly conserved in available vertebrate species. In addition, this alteration is predicted to be tolerated by in silico analysis. Based on the available evidence, the clinical significance of this variant remains unclear.

NM_006231.4(POLE):c.6711C>G (p.Ser2237Arg)

Gene: POLE (DNA polymerase epsilon, catalytic subunit; minus strand). Cytogenetic location: 12q24.33.
Variant type: single nucleotide variant.
Coding change: c.6711C>G on transcript NM_006231.4 (MANE Select); coding-DNA position 6711, C replaced by G.
Protein change: p.Ser2237Arg; replaces serine 2237 with arginine.
Molecular consequence: missense variant.
Genome position (GRCh38, 1-based): chr12:132,624,941, G>C on the plus strand (C>G on the coding strand, the complement: POLE is on the minus strand). VCF-style: chr12-132624941-G-C. GRCh37 (hg19) VCF-style: chr12-133201527-G-C.
Other names: c.6711C>G (NM_006231.2); short protein forms S2237R.
Identifiers: ClinVar variation 1060533 (VCV001060533.10), dbSNP rs774472240, ClinGen allele CA6892012.